The following is an entry in ClinVar:

ClinVar aggregate classification (germline): Uncertain significance (1 of 4 stars; one submission).

Conditions:
MEGF8-related Carpenter syndrome. Also called: Carpenter syndrome 2. Identifiers: Orphanet 65759, MedGen C3554247, MONDO:0013998, OMIM 614976.

Allele frequency attached by ClinVar (database versions not stated): gnomAD exomes below 0.00001; TOPMed below 0.00001; gnomAD 0.00001.

Submission:

Labcorp Genetics (formerly Invitae), Labcorp
Classification: Uncertain significance for MEGF8-related Carpenter syndrome. Last evaluated: 2021-10-30. Review status: criteria provided, single submitter. Criteria: Invitae Variant Classification Sherloc (09022015). Collection method: clinical testing. Allele origin: germline.
Comment: Algorithms developed to predict the effect of missense changes on protein structure and function are either unavailable or do not agree on the potential impact of this missense change (SIFT: "Tolerated"; PolyPhen-2: "Possibly Damaging"; Align-GVGD: "Class C0"). This variant has not been reported in the literature in individuals affected with MEGF8-related conditions. This variant is present in population databases (no rsID available, gnomAD 0.003%). This sequence change replaces arginine, which is basic and polar, with cysteine, which is neutral and slightly polar, at codon 2180 of the MEGF8 protein (p.Arg2180Cys). In summary, the available evidence is currently insufficient to determine the role of this variant in disease. Therefore, it has been classified as a Variant of Uncertain Significance.

NM_001271938.2(MEGF8):c.6739C>T (p.Arg2247Cys)

Gene: MEGF8 (multiple EGF like domains 8; plus strand). Cytogenetic location: 19q13.2.
Variant type: single nucleotide variant.
Coding change: c.6739C>T on transcript NM_001271938.2 (MANE Select); coding-DNA position 6739, C replaced by T.
Protein change: p.Arg2247Cys; replaces arginine 2247 with cysteine.
Molecular consequence: missense variant.
Genome position (GRCh38, 1-based): chr19:42,369,628, C>T. VCF-style: chr19-42369628-C-T. GRCh37 (hg19) VCF-style: chr19-42873780-C-T.
Other names: c.6538C>T, p.Arg2180Cys (NM_001410.3); short protein forms R2180C, R2247C.
Identifiers: ClinVar variation 1399642 (VCV001399642.4), dbSNP rs1438199181, ClinGen allele CA406135063.
Genomic context (GRCh38, chr19:42,369,628, plus strand): 5'-TGCGTGAACGGCTCATGTGTGGAGCCCGACCACTGCCGCTGCCACTTTGGCTTTGTGGGC[C>T]GCAACTGCTCCACGGAATGCCGCTGCAACCGCCACAGTGAATGCGCTGGTGTTGGGGCGC-3'
Protein context (NP_001258867.1, residues 2237-2257): HCRCHFGFVG[Arg2247Cys]NCSTECRCNR